The following is an entry in ClinVar:

NM_006270.5(RRAS):c.353A>G (p.Glu118Gly)

Gene: RRAS (RAS related; minus strand). Cytogenetic location: 19q13.33.
Variant type: single nucleotide variant.
Coding change: c.353A>G on transcript NM_006270.5 (MANE Select); coding-DNA position 353, A replaced by G.
Protein change: p.Glu118Gly; replaces glutamic acid 118 with glycine.
Molecular consequence: missense variant.
Genome position (GRCh38, 1-based): chr19:49,636,719, T>C on the plus strand (A>G on the coding strand, the complement: RRAS is on the minus strand). VCF-style: chr19-49636719-T-C. GRCh37 (hg19) VCF-style: chr19-50139976-T-C.
Other names: short protein forms E118G.
Identifiers: ClinVar variation 3627602 (VCV003627602.2).

ClinVar aggregate classification (germline): Uncertain significance (1 of 4 stars; one submission).

Conditions:
Noonan syndrome (NS). Also called: Noonan's syndrome. Identifiers: Orphanet 648, MedGen C0028326, MeSH D009634, MONDO:0018997. Disease mechanism: gain of function.

Submission:

Labcorp Genetics (formerly Invitae), Labcorp
Classification: Uncertain significance for Noonan syndrome. Last evaluated: 2024-09-16. Review status: criteria provided, single submitter. Criteria: Invitae Variant Classification Sherloc (09022015). Collection method: clinical testing. Allele origin: germline.
Comment: This sequence change replaces glutamic acid, which is acidic and polar, with glycine, which is neutral and non-polar, at codon 118 of the RRAS protein (p.Glu118Gly). This variant is not present in population databases (gnomAD no frequency). This variant has not been reported in the literature in individuals affected with RRAS-related conditions. An algorithm developed to predict the effect of missense changes on protein structure and function (PolyPhen-2) suggests that this variant is likely to be disruptive. In summary, the available evidence is currently insufficient to determine the role of this variant in disease. Therefore, it has been classified as a Variant of Uncertain Significance.